The following is an entry in ClinVar:

NM_003359.4(UGDH):c.265-6C>G

Gene: UGDH (UDP-glucose 6-dehydrogenase; minus strand). Cytogenetic location: 4p14.
Variant type: single nucleotide variant.
Coding change: c.265-6C>G on transcript NM_003359.4 (MANE Select); 6 bases into the intron before coding-DNA position 265, C replaced by G.
Molecular consequence: intron variant.
Genome position (GRCh38, 1-based): chr4:39,510,867, G>C on the plus strand (C>G on the coding strand, the complement: UGDH is on the minus strand). VCF-style: chr4-39510867-G-C. GRCh37 (hg19) VCF-style: chr4-39512487-G-C.
Other names: c.-27-6C>G (NM_001184701.2); c.265-317C>G (NM_001184700.2).
Identifiers: ClinVar variation 2504422 (VCV002504422.1), dbSNP rs2475071093, ClinGen allele CA2580616087.
Genomic context (GRCh38, chr4:39,510,867, plus strand): 5'-TCAGATCTGCTGCCCGGCCTTTCCCCATTCCATAGGTTTTTGTTGGAGTATTCACCTGAT[G>C]TAAGTATATGGGATAAAGAACAGAGTGCCTGTGAGATAGGGATTTCAAGATATACCCTGA-3'

ClinVar aggregate classification (germline): Uncertain significance (1 of 4 stars; one submission).

Submission:

GeneDx
Classification: Uncertain significance. Last evaluated: 2022-12-01. Review status: criteria provided, single submitter. Criteria: GeneDx Variant Classification Process June 2021. Collection method: clinical testing. Allele origin: germline. Affected: yes.
Comment: Not observed at significant frequency in large population cohorts (gnomAD); In silico analysis supports a deleterious effect on splicing; Has not been previously published as pathogenic or benign to our knowledge